The following is an entry in ClinVar:

ClinVar aggregate classification (germline): Likely pathogenic (1 of 4 stars; one submission).

Conditions:
Congenital factor V deficiency. Also called: Hereditary factor V deficiency disease; LABILE FACTOR DEFICIENCY; OWREN PARAHEMOPHILIA; PARAHEMOPHILIA. Identifiers: Orphanet 326, MedGen C0015499, MONDO:0009210, OMIM 227400.

Submission:

Labcorp Genetics (formerly Invitae), Labcorp
Classification: Likely pathogenic for Congenital factor V deficiency. Last evaluated: 2024-09-22. Review status: criteria provided, single submitter. Criteria: Invitae Variant Classification Sherloc (09022015). Collection method: clinical testing. Allele origin: germline.
Comment: This sequence change affects a donor splice site in intron 22 of the F5 gene. It is expected to disrupt RNA splicing. Variants that disrupt the donor or acceptor splice site typically lead to a loss of protein function (PMID: 16199547), and loss-of-function variants in F5 are known to be pathogenic (PMID: 30924984). This variant is not present in population databases (gnomAD no frequency). This variant has not been reported in the literature in individuals affected with F5-related conditions. Algorithms developed to predict the effect of sequence changes on RNA splicing suggest that this variant may disrupt the consensus splice site. In summary, the currently available evidence indicates that the variant is pathogenic, but additional data are needed to prove that conclusively. Therefore, this variant has been classified as Likely Pathogenic.

Literature cited by the submitters: PubMed 16199547; PubMed 30924984.

NM_000130.5(F5):c.6193+1G>A

Gene: F5 (coagulation factor V; minus strand). Cytogenetic location: 1q24.2.
Variant type: single nucleotide variant.
Coding change: c.6193+1G>A on transcript NM_000130.5 (MANE Select); the canonical splice donor site of the intron after coding-DNA position 6193, G replaced by A.
Molecular consequence: splice donor variant.
Genome position (GRCh38, 1-based): chr1:169,520,519, C>T on the plus strand (G>A on the coding strand, the complement: F5 is on the minus strand). VCF-style: chr1-169520519-C-T. GRCh37 (hg19) VCF-style: chr1-169489757-C-T.
Identifiers: ClinVar variation 3631093 (VCV003631093.2).